The following is an entry in ClinVar:

NM_032119.4(ADGRV1):c.2553G>A (p.Glu851=)

Gene: ADGRV1 (adhesion G protein-coupled receptor V1; plus strand). Cytogenetic location: 5q14.3.
Variant type: single nucleotide variant.
Coding change: c.2553G>A on transcript NM_032119.4 (MANE Select); coding-DNA position 2553, G replaced by A.
Protein change: p.Glu851=; no amino-acid change (glutamic acid 851 retained).
Molecular consequence: synonymous variant. On other transcripts: non-coding transcript variant (1).
Genome position (GRCh38, 1-based): chr5:90,643,041, G>A. VCF-style: chr5-90643041-G-A. GRCh37 (hg19) VCF-style: chr5-89938858-G-A.
Identifiers: ClinVar variation 4536700 (VCV004536700.1).

ClinVar aggregate classification (germline): Uncertain significance (1 of 4 stars; one submission).

Submission:

Women's Health and Genetics/Laboratory Corporation of America, LabCorp
Classification: Uncertain significance. Last evaluated: 2025-11-14. Review status: criteria provided, single submitter. Criteria: LabCorp Variant Classification Summary - May 2015. Collection method: clinical testing. Allele origin: germline.
Comment: Variant summary: ADGRV1 c.2553G>A (p.Glu851Glu) alters a conserved nucleotide located close to a canonical splice site and therefore could affect mRNA splicing, leading to a significantly altered protein sequence. Several computational tools predict a significant impact on normal splicing: Two predict the variant abolishes a 5' splicing donor site. One predicts the variant weakens a 5' donor site. However, these predictions have yet to be confirmed by functional studies. The variant was absent in 248190 control chromosomes. The available data on variant occurrences in the general population are insufficient to allow any conclusion about variant significance. To our knowledge, no occurrence of c.2553G>A in individuals affected with ADGRV1-related conditions and no experimental evidence demonstrating its impact on protein function have been reported. No submitters have cited clinical-significance assessments for this variant to ClinVar. Based on the evidence outlined above, the variant was classified as uncertain significance.